The following is an entry in ClinVar:

ClinVar aggregate classification (germline): Benign (1 of 4 stars; one submission).

Allele frequency attached by ClinVar (database versions not stated): 1000 Genomes Project 30x 0.11305; 1000 Genomes Project 0.11322; TOPMed 0.15262; gnomAD 0.16181 and 0.16326.
gnomAD v4.1: 24,549 of 152,022 alleles (16%); highest among the groups gnomAD compares: Non-Finnish European, 23%; 2,554 homozygotes.

Submission:

GeneDx
Classification: Benign. Last evaluated: 2018-06-19. Review status: criteria provided, single submitter. Criteria: GeneDx Variant Classification (06012015). Collection method: clinical testing. Allele origin: germline. Affected: yes.
Comment: This variant is considered likely benign or benign based on one or more of the following criteria: it is a conservative change, it occurs at a poorly conserved position in the protein, it is predicted to be benign by multiple in silico algorithms, and/or has population frequency not consistent with disease.

NM_001371727.1(GABRB2):c.680-263G>A

Gene: GABRB2 (gamma-aminobutyric acid type A receptor subunit beta2; minus strand). Cytogenetic location: 5q34.
Variant type: single nucleotide variant.
Coding change: c.680-263G>A on transcript NM_001371727.1 (MANE Select); 263 bases into the intron before coding-DNA position 680, G replaced by A.
Molecular consequence: intron variant.
Genome position (GRCh38, 1-based): chr5:161,335,167, C>T on the plus strand (G>A on the coding strand, the complement: GABRB2 is on the minus strand). VCF-style: chr5-161335167-C-T. GRCh37 (hg19) VCF-style: chr5-160762174-C-T.
Other names: c.680-263G>A (NM_000813.3, NM_021911.3).
Identifiers: ClinVar variation 668791 (VCV000668791.1), dbSNP rs967771, ClinGen allele CA15371149.